The following is an entry in ClinVar:

NC_000017.10:g.(3540611_3543481)_(3561470_3563151)del

Gene: CTNS (cystinosin, lysosomal cystine transporter; plus strand). Cytogenetic location: 17p13.2.
Variant type: Deletion.
Identifiers: ClinVar variation 3366854 (VCV003366854.1).

ClinVar aggregate classification (germline): Pathogenic (1 of 4 stars; one submission).

Conditions:
Cystinosis. Also called: Cystine diathesis; Cystine storage disease; Cystinoses. Identifiers: Orphanet 213, MedGen C4316899, MONDO:0016239.

Submission:

Women's Health and Genetics/Laboratory Corporation of America, LabCorp
Classification: Pathogenic for Cystinosis. Last evaluated: 2024-08-12. Review status: criteria provided, single submitter. Criteria: LabCorp Variant Classification Summary - May 2015. Collection method: clinical testing. Allele origin: germline.
Comment: Variant summary: The variant involves the deletion of exons 3-10 in the CTNS gene. A presumed nomenclature of c.(-20+1_-19-1)_(852+1_853-1)del has been designated for the purposes of this classification. This Copy Number Variant (CNV) is expected to alter the reading frame and predicted to result in a truncation or absence of the encoded protein due to nonsense mediated decay (NMD). The variant was absent in 19928 control chromosomes. To our knowledge, no occurrence of c.(-20+1_-19-1)_(852+1_853-1)del in individuals affected with Cystinosis and no experimental evidence demonstrating its impact on protein function have been reported. ClinVar contains an entry for this variant (Variation ID: 584155). Based on the evidence outlined above, the variant was classified as pathogenic.